The following is an entry in ClinVar:

ClinVar aggregate classification (germline): Uncertain significance. Review status: criteria provided, multiple submitters, no conflicts (2 of 4 stars). 2 submissions from 2 submitters: Uncertain significance (2). Last evaluated 2026-04-30.

Conditions:
NTRK1-related disorder. Also called: NTRK1-related condition.
Inborn genetic diseases. Identifiers: MedGen C0950123, MeSH D030342.

Allele frequency attached by ClinVar (database versions not stated): ExAC 0.00001; gnomAD exomes 0.00001; gnomAD 0.00003; TOPMed 0.00003; ESP Exome Variant Server 0.00015.
gnomAD v4.1: 19 of 1,613,758 alleles (0.0012%); highest among the groups gnomAD compares: African/African-American, 0.011%; no homozygotes.

Submissions (2):

PreventionGenetics, part of Exact Sciences
Classification: Uncertain significance for NTRK1-related condition. Last evaluated: 2026-04-30. Review status: criteria provided, single submitter. Criteria: ACMG Guidelines, 2015. Collection method: clinical testing. Allele origin: germline.
Comment: The NTRK1 c.1438G>A variant is predicted to result in the amino acid substitution p.Glu480Lys. To our knowledge, this variant has not been reported in the literature. This variant is reported in 0.0080% of alleles in individuals of African descent in gnomAD. At this time, the clinical significance of this variant is uncertain due to the absence of conclusive functional and genetic evidence.

Ambry Genetics
Classification: Uncertain significance for Inborn genetic diseases. Last evaluated: 2022-12-08. Review status: criteria provided, single submitter. Criteria: Ambry Variant Classification Scheme 2023. Collection method: clinical testing. Allele origin: germline.

NM_002529.4(NTRK1):c.1438G>A (p.Glu480Lys)

Gene: NTRK1 (neurotrophic receptor tyrosine kinase 1; plus strand). Cytogenetic location: 1q23.1.
Variant type: single nucleotide variant.
Coding change: c.1438G>A on transcript NM_002529.4 (MANE Select); coding-DNA position 1438, G replaced by A.
Protein change: p.Glu480Lys; replaces glutamic acid 480 with lysine.
Molecular consequence: missense variant.
Genome position (GRCh38, 1-based): chr1:156,875,603, G>A. VCF-style: chr1-156875603-G-A. GRCh37 (hg19) VCF-style: chr1-156845395-G-A.
Other names: c.1438G>A, p.Glu480Lys (NM_001007204.1); c.1330G>A, p.Glu444Lys (NM_001007792.1); c.1420G>A, p.Glu474Lys (NM_001012331.2); short protein forms E474K, E480K, E444K.
Identifiers: ClinVar variation 2329688 (VCV002329688.3), dbSNP rs139731614, ClinGen allele CA1169327.